The following is an entry in ClinVar:

ClinVar aggregate classification (germline): Benign. Review status: criteria provided, multiple submitters, no conflicts (2 of 4 stars). 3 submissions from 2 submitters: Benign (3). Last evaluated 2018-01-12.

Conditions:
Nephropathic cystinosis (CTNS). Also called: CYSTINOSIN, DEFECT OF; LYSOSOMAL CYSTINE TRANSPORT PROTEIN, DEFECT OF; Abderhalden Lignac Kaufmann disease; Abderhalden-Kaufmann-Lignac syndrome. Identifiers: Orphanet 213, Orphanet 411629, MedGen C2931187, MONDO:0100151, OMIM 219800.
Ocular cystinosis. Also called: Non-Nephropathic (Ocular) Cystinosis; Non-Nephropathic Cystinosis. Identifiers: Orphanet 213, Orphanet 411641, MedGen C2931013, MONDO:0009064, OMIM 219750.

Allele frequency attached by ClinVar (database versions not stated): gnomAD exomes 0.00255; gnomAD 0.01552 and 0.01649; 1000 Genomes Project 0.01617; 1000 Genomes Project 30x 0.01655; TOPMed 0.01700.
gnomAD v4.1: 2,483 of 205,038 alleles (1.2%); highest among the groups gnomAD compares: African/African-American, 5.1%; 61 homozygotes.

Submissions (3):

Illumina Laboratory Services, Illumina
Classification: Benign for Ocular cystinosis. Last evaluated: 2018-01-12. Review status: criteria provided, single submitter. Criteria: ICSL Variant Classification Criteria 13 December 2019. Collection method: clinical testing. Allele origin: germline.
Comment: This variant was observed in the ICSL laboratory as part of a predisposition screen in an ostensibly healthy population. It had not been previously curated by ICSL or reported in the Human Gene Mutation Database (HGMD: prior to June 1st, 2018), and was therefore a candidate for classification through an automated scoring system. Utilizing variant allele frequency, disease prevalence and penetrance estimates, and inheritance mode, an automated score was calculated to assess if this variant is too frequent to cause the disease. Based on the score and internal cut-off values, a variant classified as benign is not then subjected to further curation. The score for this variant resulted in a classification of benign for this disease.

Illumina Laboratory Services, Illumina
Classification: Benign for Nephropathic cystinosis. Last evaluated: 2018-01-12. Review status: criteria provided, single submitter. Criteria: ICSL Variant Classification Criteria 13 December 2019. Collection method: clinical testing. Allele origin: germline.
Comment: the same text as in the submission from Illumina Laboratory Services, Illumina above.

Breakthrough Genomics
Classification: Benign. Review status: criteria provided, single submitter. Criteria: ACMG Guidelines, 2015. Collection method: not provided. Allele origin: germline. Inheritance: Autosomal recessive inheritance. Affected: yes.

NM_004937.3(CTNS):c.*851G>A

Gene: CTNS (cystinosin, lysosomal cystine transporter; plus strand). Cytogenetic location: 17p13.2.
Variant type: single nucleotide variant.
Coding change: c.*851G>A on transcript NM_004937.3 (MANE Select); 851 bases downstream of the stop codon, G replaced by A.
Molecular consequence: 3 prime UTR variant.
Genome position (GRCh38, 1-based): chr17:3,661,220, G>A. VCF-style: chr17-3661220-G-A. GRCh37 (hg19) VCF-style: chr17-3564514-G-A.
Other names: c.*486G>A (NM_001031681.3, NM_001374492.1); c.*851G>A (NM_001374493.1, NM_001374494.1, NM_001374495.1 and 1 more transcripts).
Identifiers: ClinVar variation 322867 (VCV000322867.6), dbSNP rs75192283, ClinGen allele CA10649952.
Genomic context (GRCh38, chr17:3,661,220, plus strand): 5'-ACATAGCTCTCTCCTGCTACCAGTCTGTGCCTTAGAGGTCTGTTAGGCCTGCCAAACGGC[G>A]ACCAGCTCCCCTGGAGCGAGGGCAGGCCCCTTCCCTCTCTTTCCCCAGACACCTACTTGA-3'